The following is an entry in ClinVar:

NM_000384.3(APOB):c.2743G>A (p.Val915Ile)

Gene: APOB (apolipoprotein B; minus strand). Cytogenetic location: 2p24.1.
Variant type: single nucleotide variant.
Coding change: c.2743G>A on transcript NM_000384.3 (MANE Select); coding-DNA position 2743, G replaced by A.
Protein change: p.Val915Ile; replaces valine 915 with isoleucine.
Molecular consequence: missense variant.
Genome position (GRCh38, 1-based): chr2:21,022,904, C>T on the plus strand (G>A on the coding strand, the complement: APOB is on the minus strand). VCF-style: chr2-21022904-C-T. GRCh37 (hg19) VCF-style: chr2-21245776-C-T.
Other names: short protein forms V915I.
Identifiers: ClinVar variation 3416139 (VCV003416139.1).

ClinVar aggregate classification (germline): Uncertain significance (1 of 4 stars; one submission).

Conditions:
Cardiovascular phenotype. Identifiers: MedGen CN230736.

gnomAD v4.1: 2 of 1,614,162 alleles (0.00012%); highest among the groups gnomAD compares: African/African-American, 0.0027%; no homozygotes.

Submission:

Ambry Genetics
Classification: Uncertain significance for Cardiovascular phenotype. Last evaluated: 2024-10-04. Review status: criteria provided, single submitter. Criteria: Ambry Variant Classification Scheme 2023. Collection method: clinical testing. Allele origin: germline.
Comment: The p.V915I variant (also known as c.2743G>A), located in coding exon 18 of the APOB gene, results from a G to A substitution at nucleotide position 2743. The valine at codon 915 is replaced by isoleucine, an amino acid with highly similar properties. This amino acid position is conserved. In addition, this alteration is predicted to be tolerated by in silico analysis. Based on the available evidence, the clinical significance of this variant remains unclear.